The following is an entry in ClinVar:

NM_139027.6(ADAMTS13):c.2999G>A (p.Arg1000His)

Gene: ADAMTS13 (ADAM metallopeptidase with thrombospondin type 1 motif 13; plus strand). Cytogenetic location: 9q34.2.
Variant type: single nucleotide variant.
Coding change: c.2999G>A on transcript NM_139027.6 (MANE Select); coding-DNA position 2999, G replaced by A.
Protein change: p.Arg1000His; replaces arginine 1000 with histidine.
Molecular consequence: missense variant. On other transcripts: non-coding transcript variant (1).
Genome position (GRCh38, 1-based): chr9:133,449,920, G>A. VCF-style: chr9-133449920-G-A. GRCh37 (hg19) VCF-style: chr9-136315041-G-A.
Other names: p.Arg1000His; c.2999G>A, p.Arg1000His (NM_139025.5); c.2906G>A, p.Arg969His (NM_139026.6); short protein forms R1000H, R969H.
Identifiers: ClinVar variation 2683080 (VCV002683080.2), dbSNP rs781905328, ClinGen allele CA200940082.

ClinVar aggregate classification (germline): Uncertain significance. Review status: criteria provided, multiple submitters, no conflicts (2 of 4 stars). 2 submissions from 2 submitters: Uncertain significance (2). Last evaluated 2024-05-23.

Conditions:
Upshaw-Schulman syndrome (TTP). Also called: THROMBOTIC THROMBOCYTOPENIC PURPURA, HEREDITARY; Congenital thrombotic thrombocytopenic purpura. Identifiers: Orphanet 93583, MedGen C1268935, MONDO:0010122, OMIM 274150.

Allele frequency attached by ClinVar (database versions not stated): ExAC 0.00001; gnomAD exomes 0.00001; TOPMed 0.00003.
gnomAD v4.1: 13 of 1,612,270 alleles (0.00081%); highest among the groups gnomAD compares: Admixed American, 0.005%; no homozygotes.

Submissions (2):

Fulgent Genetics
Classification: Uncertain significance for Upshaw-Schulman syndrome. Last evaluated: 2024-05-23. Review status: criteria provided, single submitter. Criteria: ACMG Guidelines, 2015. Collection method: clinical testing. Allele origin: germline.

Mayo Clinic Laboratories, Mayo Clinic
Classification: Uncertain significance. Last evaluated: 2022-04-27. Review status: criteria provided, single submitter. Criteria: ACMG Guidelines, 2015. Collection method: clinical testing. Allele origin: germline. Observed: 1 variant allele.
Comment: BP4